The following is an entry in ClinVar:

NM_001352027.3(PHF21A):c.391A>G (p.Thr131Ala)

Gene: PHF21A (PHD finger protein 21A; minus strand). Cytogenetic location: 11p11.2.
Variant type: single nucleotide variant.
Coding change: c.391A>G on transcript NM_001352027.3 (MANE Select); coding-DNA position 391, A replaced by G.
Protein change: p.Thr131Ala; replaces threonine 131 with alanine.
Molecular consequence: missense variant. On other transcripts: non-coding transcript variant (2).
Genome position (GRCh38, 1-based): chr11:45,971,337, T>C on the plus strand (A>G on the coding strand, the complement: PHF21A is on the minus strand). VCF-style: chr11-45971337-T-C. GRCh37 (hg19) VCF-style: chr11-45992888-T-C.
Other names: c.391A>G, p.Thr131Ala (NM_001101802.3, NM_001352025.3, NM_001352026.3 and 5 more transcripts); c.388A>G, p.Thr130Ala (NM_001352030.3); short protein forms T130A, T131A.
Identifiers: ClinVar variation 3663488 (VCV003663488.2).
Genomic context (GRCh38, chr11:45,971,337, plus strand): 5'-CCACCACAGAGGCAGGCATGGTCGCAGTTGCTGCTTTCAAGACGAGAGGTAGTGTCTTTG[T>C]GGTAATCATAGAAGCTGTAGTTACAGTCTTCTAGGAGACAGGGAAAACAGATATTAGGAC-3'
Protein context (NP_001338956.1, residues 121-141): KTVTTASMIT[Thr131Ala]KTLPLVLKAA

ClinVar aggregate classification (germline): Uncertain significance (1 of 4 stars; one submission).

gnomAD v4.1: 1 of 1,614,142 alleles (0.000062%); highest among the groups gnomAD compares: Non-Finnish European, 0.000085%; no homozygotes.

Submission:

Labcorp Genetics (formerly Invitae), Labcorp
Classification: Uncertain significance. Last evaluated: 2024-08-27. Review status: criteria provided, single submitter. Criteria: Invitae Variant Classification Sherloc (09022015). Collection method: clinical testing. Allele origin: germline.
Comment: This sequence change replaces threonine, which is neutral and polar, with alanine, which is neutral and non-polar, at codon 131 of the PHF21A protein (p.Thr131Ala). This variant is not present in population databases (gnomAD no frequency). This variant has not been reported in the literature in individuals affected with PHF21A-related conditions. Invitae Evidence Modeling of protein sequence and biophysical properties (such as structural, functional, and spatial information, amino acid conservation, physicochemical variation, residue mobility, and thermodynamic stability) indicates that this missense variant is not expected to disrupt PHF21A protein function with a negative predictive value of 80%. In summary, the available evidence is currently insufficient to determine the role of this variant in disease. Therefore, it has been classified as a Variant of Uncertain Significance.